The following is an entry in ClinVar:

ClinVar aggregate classification (germline): Uncertain significance. Review status: criteria provided, multiple submitters, no conflicts (2 of 4 stars). 2 submissions from 2 submitters: Uncertain significance (2). Last evaluated 2025-08-05.

Conditions:
Severe early-onset pulmonary alveolar proteinosis due to MARS deficiency. Also called: PULMONARY ALVEOLAR PROTEINOSIS, REUNION ISLAND; Interstitial lung and liver disease. Identifiers: Orphanet 440427, MedGen C4225400, MONDO:0014206, OMIM 615486.
Charcot-Marie-Tooth disease axonal type 2U. Also called: CHARCOT-MARIE-TOOTH NEUROPATHY, TYPE 2U; CHARCOT-MARIE-TOOTH DISEASE, AXONAL, AUTOSOMAL DOMINANT, TYPE 2U. Identifiers: Orphanet 397735, MedGen C4084821, MONDO:0014566, OMIM 616280.
MARS1-related disorder. Also called: MARS1-related condition.

Allele frequency attached by ClinVar (database versions not stated): gnomAD 0.00001; ExAC 0.00002; gnomAD exomes 0.00002; TOPMed 0.00002; ESP Exome Variant Server 0.00008.
gnomAD v4.1: 37 of 1,614,080 alleles (0.0023%); highest among the groups gnomAD compares: Non-Finnish European, 0.0028%; no homozygotes.

Submissions (2):

PreventionGenetics, part of Exact Sciences
Classification: Uncertain significance for MARS1-related condition. Last evaluated: 2025-08-05. Review status: criteria provided, single submitter. Criteria: ACMG Guidelines, 2015. Collection method: clinical testing. Allele origin: germline.
Comment: The MARS1 c.1024G>A variant is predicted to result in the amino acid substitution p.Asp342Asn. To our knowledge, this variant has not been reported in the literature. This variant is reported in 0.0015% of alleles in individuals of European (Non-Finnish) descent in gnomAD. At this time, the clinical significance of this variant is uncertain due to the absence of conclusive functional and genetic evidence.

Labcorp Genetics (formerly Invitae), Labcorp
Classification: Uncertain significance for Charcot-Marie-Tooth disease axonal type 2U; Severe early-onset pulmonary alveolar proteinosis due to MARS deficiency. Last evaluated: 2023-04-28. Review status: criteria provided, single submitter. Criteria: Invitae Variant Classification Sherloc (09022015). Collection method: clinical testing. Allele origin: germline.
Comment: In summary, the available evidence is currently insufficient to determine the role of this variant in disease. Therefore, it has been classified as a Variant of Uncertain Significance. Algorithms developed to predict the effect of missense changes on protein structure and function output the following: SIFT: "Not Available"; PolyPhen-2: "Benign"; Align-GVGD: "Not Available". The asparagine amino acid residue is found in multiple mammalian species, which suggests that this missense change does not adversely affect protein function. ClinVar contains an entry for this variant (Variation ID: 1946247). This variant has not been reported in the literature in individuals affected with MARS-related conditions. This variant is present in population databases (rs370644893, gnomAD 0.002%). This sequence change replaces aspartic acid, which is acidic and polar, with asparagine, which is neutral and polar, at codon 342 of the MARS protein (p.Asp342Asn).

NM_004990.4(MARS1):c.1024G>A (p.Asp342Asn)

Gene: MARS1 (methionyl-tRNA synthetase 1; plus strand). Cytogenetic location: 12q13.3.
Variant type: single nucleotide variant.
Coding change: c.1024G>A on transcript NM_004990.4 (MANE Select); coding-DNA position 1024, G replaced by A.
Protein change: p.Asp342Asn; replaces aspartic acid 342 with asparagine.
Molecular consequence: missense variant.
Genome position (GRCh38, 1-based): chr12:57,498,556, G>A. VCF-style: chr12-57498556-G-A. GRCh37 (hg19) VCF-style: chr12-57892339-G-A.
Other names: c.1024G>A (NM_004990.3); short protein forms D342N.
Identifiers: ClinVar variation 1946247 (VCV001946247.5), dbSNP rs370644893, ClinGen allele CA6650387.